The following is an entry in ClinVar:

ClinVar aggregate classification (germline): Uncertain significance. Review status: criteria provided, multiple submitters, no conflicts (2 of 4 stars). 2 submissions from 2 submitters: Uncertain significance (2). Last evaluated 2026-01-26.

Conditions:
Inborn genetic diseases. Identifiers: MedGen C0950123, MeSH D030342.

Allele frequency attached by ClinVar (database versions not stated): ESP Exome Variant Server 0.00008.
gnomAD v4.1: 47 of 1,613,828 alleles (0.0029%); highest among the groups gnomAD compares: Middle Eastern, 0.05%; no homozygotes.

Submissions (2):

Labcorp Genetics (formerly Invitae), Labcorp
Classification: Uncertain significance. Last evaluated: 2026-01-26. Review status: criteria provided, single submitter. Criteria: Invitae Variant Classification Sherloc (09022015). Collection method: clinical testing. Allele origin: germline.
Comment: This sequence change replaces alanine, which is neutral and non-polar, with valine, which is neutral and non-polar, at codon 960 of the FOCAD protein (p.Ala960Val). This variant is present in population databases (rs371813912, gnomAD 0.06%). This variant has not been reported in the literature in individuals affected with FOCAD-related conditions. ClinVar contains an entry for this variant (Variation ID: 2393469). Experimental studies and prediction algorithms are not available or were not evaluated, and the functional significance of this variant is currently unknown. In summary, the available evidence is currently insufficient to determine the role of this variant in disease. Therefore, it has been classified as a Variant of Uncertain Significance.

Ambry Genetics
Classification: Uncertain significance for Inborn genetic diseases. Last evaluated: 2021-10-06. Review status: criteria provided, single submitter. Criteria: Ambry Variant Classification Scheme 2023. Collection method: clinical testing. Allele origin: germline.

NM_001375567.1(FOCAD):c.2879C>T (p.Ala960Val)

Gene: FOCAD (focadhesin; plus strand). Cytogenetic location: 9p21.3.
Variant type: single nucleotide variant.
Coding change: c.2879C>T on transcript NM_001375567.1 (MANE Select); coding-DNA position 2879, C replaced by T.
Protein change: p.Ala960Val; replaces alanine 960 with valine.
Molecular consequence: missense variant.
Genome position (GRCh38, 1-based): chr9:20,923,686, C>T. VCF-style: chr9-20923686-C-T. GRCh37 (hg19) VCF-style: chr9-20923685-C-T.
Other names: c.2774C>T, p.Ala925Val (NM_001375568.1, NM_001375570.1); c.2879C>T, p.Ala960Val (NM_017794.5); short protein forms A960V, A925V.
Identifiers: ClinVar variation 2393469 (VCV002393469.3), dbSNP rs371813912, ClinGen allele CA5007320.